The following is an entry in ClinVar:

NM_006270.5(RRAS):c.371C>T (p.Thr124Met)

Gene: RRAS (RAS related; minus strand). Cytogenetic location: 19q13.33.
Variant type: single nucleotide variant.
Coding change: c.371C>T on transcript NM_006270.5 (MANE Select); coding-DNA position 371, C replaced by T.
Protein change: p.Thr124Met; replaces threonine 124 with methionine.
Molecular consequence: missense variant.
Genome position (GRCh38, 1-based): chr19:49,636,701, G>A on the plus strand (C>T on the coding strand, the complement: RRAS is on the minus strand). VCF-style: chr19-49636701-G-A. GRCh37 (hg19) VCF-style: chr19-50139958-G-A.
Other names: short protein forms T124M.
Identifiers: ClinVar variation 527793 (VCV000527793.16), dbSNP rs369508242, ClinGen allele CA9579041.

ClinVar aggregate classification (germline): Uncertain significance. Review status: criteria provided, multiple submitters, no conflicts (2 of 4 stars). 4 submissions from 4 submitters: Uncertain significance (4). Last evaluated 2025-12-17.

Conditions:
Noonan syndrome (NS). Also called: Noonan's syndrome. Identifiers: Orphanet 648, MedGen C0028326, MeSH D009634, MONDO:0018997. Disease mechanism: gain of function.
Hereditary cancer. Identifiers: MedGen C1333600.

Allele frequency attached by ClinVar (database versions not stated): gnomAD exomes 0.00004; ESP Exome Variant Server 0.00031; gnomAD 0.00011 and 0.00014; ExAC 0.00005; TOPMed 0.00016.
gnomAD v4.1: 39 of 1,614,030 alleles (0.0024%); highest among the groups gnomAD compares: African/African-American, 0.028%; no homozygotes.

Submissions (4):

Labcorp Genetics (formerly Invitae), Labcorp
Classification: Uncertain significance for Noonan syndrome. Last evaluated: 2025-12-17. Review status: criteria provided, single submitter. Criteria: Invitae Variant Classification Sherloc (09022015). Collection method: clinical testing. Allele origin: germline.
Comment: This sequence change replaces threonine, which is neutral and polar, with methionine, which is neutral and non-polar, at codon 124 of the RRAS protein (p.Thr124Met). This variant is present in population databases (rs369508242, gnomAD 0.04%), and has an allele count higher than expected for a pathogenic variant. This variant has not been reported in the literature in individuals affected with RRAS-related conditions. ClinVar contains an entry for this variant (Variation ID: 527793). An algorithm developed to predict the effect of missense changes on protein structure and function (PolyPhen-2) suggests that this variant is likely to be disruptive. In summary, the available evidence is currently insufficient to determine the role of this variant in disease. Therefore, it has been classified as a Variant of Uncertain Significance.

Mendelics
Classification: Uncertain significance for Hereditary cancer. Last evaluated: 2025-02-26. Review status: criteria provided, single submitter. Criteria: ACMG Guidelines, 2015. Collection method: clinical testing. Allele origin: unknown.
Comment: The available evidence is insufficient to conclusively determine the role of this variant. Therefore, it is classified as a Variant of Uncertain Significance.

Ambry Genetics
Classification: Uncertain significance. Last evaluated: 2024-08-11. Review status: criteria provided, single submitter. Criteria: Ambry Variant Classification Scheme 2023. Collection method: clinical testing. Allele origin: germline.

Women's Health and Genetics/Laboratory Corporation of America, LabCorp
Classification: Uncertain significance. Last evaluated: 2024-03-30. Review status: criteria provided, single submitter. Criteria: LabCorp Variant Classification Summary - May 2015. Collection method: clinical testing. Allele origin: germline.